The following is an entry in ClinVar:

NM_001278669.2(NFATC1):c.1326C>T (p.Tyr442=)

Gene: NFATC1 (nuclear factor of activated T cells 1; plus strand). Cytogenetic location: 18q23.
Variant type: single nucleotide variant.
Coding change: c.1326C>T on transcript NM_001278669.2 (MANE Select); coding-DNA position 1326, C replaced by T.
Protein change: p.Tyr442=; no amino-acid change (tyrosine 442 retained).
Molecular consequence: synonymous variant. On other transcripts: 5 prime UTR variant (2).
Genome position (GRCh38, 1-based): chr18:79,433,678, C>T. VCF-style: chr18-79433678-C-T. GRCh37 (hg19) VCF-style: chr18-77193678-C-T.
Other names: c.1326C>T, p.Tyr442= (NM_001278670.2, NM_006162.5, NM_172390.3); c.1287C>T, p.Tyr429= (NM_001278672.2, NM_001278675.2, NM_172387.3 and 1 more transcripts); c.-91C>T (NM_001278673.2, NM_172388.3); c.1326C>T (NM_001278669.1).
Identifiers: ClinVar variation 1674086 (VCV001674086.10), dbSNP rs75223694, ClinGen allele CA9009154.
Genomic context (GRCh38, chr18:79,433,678, plus strand): 5'-CTCAGGCCCGTATGAGCTTCGGATTGAGGTGCAGCCCAAGTCCCACCACCGAGCCCACTA[C>T]GAGACGGAGGGCAGCCGGGGGGCCGTGAAGGCGTCGGCCGGAGGACACCCCATCGTGCAG-3'
Protein context (NP_001265598.1, residues 432-452): VQPKSHHRAH[Tyr442=]ETEGSRGAVK

ClinVar aggregate classification (germline): Benign. Review status: criteria provided, single submitter (1 of 4 stars). 2 submissions from 2 submitters: Benign (1). 1 of the submissions does not count toward it. Last evaluated 2026-02-01.

Conditions:
NFATC1-related disorder. Also called: NFATC1-related condition.

Allele frequency attached by ClinVar (database versions not stated): gnomAD exomes 0.00019; ExAC 0.00027; gnomAD 0.00054 and 0.00058; TOPMed 0.00063; ESP Exome Variant Server 0.00077; 1000 Genomes Project 0.00120; 1000 Genomes Project 30x 0.00125.
gnomAD v4.1: 278 of 1,608,434 alleles (0.017%); highest among the groups gnomAD compares: African/African-American, 0.21%; 1 homozygote.

Submissions (2):

Labcorp Genetics (formerly Invitae), Labcorp
Classification: Benign. Last evaluated: 2026-02-01. Review status: criteria provided, single submitter. Criteria: Invitae Variant Classification Sherloc (09022015). Collection method: clinical testing. Allele origin: germline.

PreventionGenetics, part of Exact Sciences
Classification: Likely benign for NFATC1-related condition. Last evaluated: 2019-03-22. Review status: no assertion criteria provided. Collection method: clinical testing. Allele origin: germline. Not counted in ClinVar's aggregate classification.
Comment: This variant is classified as likely benign based on ACMG/AMP sequence variant interpretation guidelines (Richards et al. 2015 PMID: 25741868, with internal and published modifications).